The following is an entry in ClinVar:

ClinVar aggregate classification (germline): Likely pathogenic (1 of 4 stars; one submission).

Conditions:
Hereditary cancer-predisposing syndrome. Also called: Neoplastic Syndromes, Hereditary; Tumor predisposition; Hereditary neoplastic syndrome; Hereditary Cancer Syndrome. Identifiers: Orphanet 140162, MedGen C0027672, MeSH D009386, MONDO:0015356.

Submission:

Ambry Genetics
Classification: Likely pathogenic for Hereditary cancer-predisposing syndrome. Last evaluated: 2026-09-10. Review status: criteria provided, single submitter. Criteria: Ambry Variant Classification Scheme 2023. Collection method: clinical testing. Allele origin: germline.
Comment: The p.D238V variant (also known as c.713A>T), located in coding exon 5 of the FH gene, results from an A to T substitution at nucleotide position 713. The aspartic acid at codon 238 is replaced by valine, an amino acid with highly dissimilar properties. This variant was reported in individual(s) with features consistent with FH-related tumor predisposition syndrome (Ambry internal data). Another variant at the same codon, p.D238H (c.712G>C) has been identified in individuals with features consistent with FH-related tumor predisposition syndrome (Ambry internal data; external communication). This amino acid position is highly conserved in available vertebrate species. In addition, this alteration is predicted to be deleterious by in silico analysis. This variant is considered to be rare based on population cohorts in the Genome Aggregation Database (gnomAD). Based on the majority of available evidence to date, this variant is likely to be pathogenic.

NM_000143.4(FH):c.713A>T (p.Asp238Val)

Gene: FH (fumarate hydratase; minus strand). Cytogenetic location: 1q43.
Variant type: single nucleotide variant.
Coding change: c.713A>T on transcript NM_000143.4 (MANE Select); coding-DNA position 713, A replaced by T.
Protein change: p.Asp238Val; replaces aspartic acid 238 with valine.
Molecular consequence: missense variant.
Genome position (GRCh38, 1-based): chr1:241,508,628, T>A on the plus strand (A>T on the coding strand, the complement: FH is on the minus strand). VCF-style: chr1-241508628-T-A. GRCh37 (hg19) VCF-style: chr1-241671928-T-A.
Other names: short protein forms D238V.
Identifiers: ClinVar variation 5021789 (VCV005021789.1).
Genomic context (GRCh38, chr1:241,508,628, plus strand): 5'-CTCTAAATTGAATCAAATTAGTCAAACTCCTATACCTGCCCAAGAGTAAGTGGAACAGCA[T>A]CCTGAGTATGAGTACGTCCAATCTTGATGATCTGTGCAAACTCTTTGGATTTTGCATCAA-3'
Protein context (NP_000134.2, residues 228-248): IIKIGRTHTQ[Asp238Val]AVPLTLGQEF